The following is an entry in ClinVar:

NM_004438.5(EPHA4):c.689G>A (p.Arg230Gln)

Gene: EPHA4 (EPH receptor A4; minus strand). Cytogenetic location: 2q36.1.
Variant type: single nucleotide variant.
Coding change: c.689G>A on transcript NM_004438.5 (MANE Select); coding-DNA position 689, G replaced by A.
Protein change: p.Arg230Gln; replaces arginine 230 with glutamine.
Molecular consequence: missense variant.
Genome position (GRCh38, 1-based): chr2:221,563,865, C>T on the plus strand (G>A on the coding strand, the complement: EPHA4 is on the minus strand). VCF-style: chr2-221563865-C-T. GRCh37 (hg19) VCF-style: chr2-222428585-C-T.
Other names: c.689G>A, p.Arg230Gln (NM_001304536.2, NM_001363748.2); c.536G>A, p.Arg179Gln (NM_001304537.2); c.689G>A (NM_004438.3); short protein forms R179Q, R230Q.
Identifiers: ClinVar variation 2984082 (VCV002984082.4), dbSNP rs1420768724, ClinGen allele CA350409693.

ClinVar aggregate classification (germline): Uncertain significance. Review status: criteria provided, multiple submitters, no conflicts (2 of 4 stars). 2 submissions from 2 submitters: Uncertain significance (2). Last evaluated 2025-03-18.

Allele frequency attached by ClinVar (database versions not stated): TOPMed 0.00001.
gnomAD v4.1: 1 of 1,614,188 alleles (0.000062%); highest among the groups gnomAD compares: South Asian, 0.0011%; no homozygotes.

Submissions (2):

Ambry Genetics
Classification: Uncertain significance. Last evaluated: 2025-03-18. Review status: criteria provided, single submitter. Criteria: Ambry Variant Classification Scheme 2023. Collection method: clinical testing. Allele origin: germline.

Labcorp Genetics (formerly Invitae), Labcorp
Classification: Uncertain significance. Last evaluated: 2023-11-20. Review status: criteria provided, single submitter. Criteria: Invitae Variant Classification Sherloc (09022015). Collection method: clinical testing. Allele origin: germline.
Comment: This sequence change replaces arginine, which is basic and polar, with glutamine, which is neutral and polar, at codon 230 of the EPHA4 protein (p.Arg230Gln). This variant is present in population databases (no rsID available, gnomAD 0.003%). This variant has not been reported in the literature in individuals affected with EPHA4-related conditions. Advanced modeling of protein sequence and biophysical properties (such as structural, functional, and spatial information, amino acid conservation, physicochemical variation, residue mobility, and thermodynamic stability) performed at Invitae indicates that this missense variant is not expected to disrupt EPHA4 protein function with a negative predictive value of 80%. In summary, the available evidence is currently insufficient to determine the role of this variant in disease. Therefore, it has been classified as a Variant of Uncertain Significance.